The following is an entry in ClinVar:

NM_012330.4(KAT6B):c.1512C>A (p.Ser504Arg)

Gene: KAT6B (lysine acetyltransferase 6B; plus strand). Cytogenetic location: 10q22.2.
Variant type: single nucleotide variant.
Coding change: c.1512C>A on transcript NM_012330.4 (MANE Select); coding-DNA position 1512, C replaced by A.
Protein change: p.Ser504Arg; replaces serine 504 with arginine.
Molecular consequence: missense variant. On other transcripts: intron variant (13).
Genome position (GRCh38, 1-based): chr10:74,975,849, C>A. VCF-style: chr10-74975849-C-A. GRCh37 (hg19) VCF-style: chr10-76735607-C-A.
Other names: c.1444+68C>A (NM_001370138.1, NM_001256468.2); c.1117+395C>A (NM_001370140.1, NM_001370141.1, NM_001256469.2 and 3 more transcripts); c.846+6074C>A (NM_001370133.1); c.193-3375C>A (NM_001370134.1); c.929-1467C>A (NM_001370143.1, NM_001370144.1); c.193-13170C>A (NM_001370135.1); c.1512C>A, p.Ser504Arg (NM_001370136.1, NM_001370137.1); short protein forms S504R.
Identifiers: ClinVar variation 300864 (VCV000300864.38), dbSNP rs769903041, ClinGen allele CA5564421.

ClinVar aggregate classification (germline): Conflicting classifications of pathogenicity. Review status: criteria provided, conflicting classifications (1 of 4 stars). 5 submissions from 5 submitters: Uncertain significance (1); Likely benign (3). 1 of the submissions does not count toward it. Last evaluated 2025-12-30.

Conditions:
Genitopatellar syndrome (GTPTS). Also called: Genitopatellar syndrome (GPS); ABSENT PATELLAE, SCROTAL HYPOPLASIA, RENAL ANOMALIES, FACIAL DYSMORPHISM, AND MENTAL RETARDATION. Identifiers: Orphanet 85201, MedGen C1853566, MONDO:0011640, OMIM 606170.
KAT6B-related disorder. Also called: KAT6B-related disorders; KAT6B-related condition.

Allele frequency attached by ClinVar (database versions not stated): TOPMed 0.00012; gnomAD 0.00019.
gnomAD v4.1: 188 of 1,614,004 alleles (0.012%); highest among the groups gnomAD compares: Middle Eastern, 0.16%; no homozygotes.

Submissions (5):

Labcorp Genetics (formerly Invitae), Labcorp
Classification: Likely benign for Genitopatellar syndrome. Last evaluated: 2025-12-30. Review status: criteria provided, single submitter. Criteria: Invitae Variant Classification Sherloc (09022015). Collection method: clinical testing. Allele origin: germline.

CeGaT Center for Human Genetics Tuebingen
Classification: Likely benign. Last evaluated: 2023-12-01. Review status: criteria provided, single submitter. Criteria: CeGaT Center For Human Genetics Tuebingen Variant Classification Criteria Version 2. Collection method: clinical testing. Allele origin: germline. Affected: yes. Observed: 6 variant alleles.
Comment: KAT6B: BS1

Revvity Omics, Revvity
Classification: Uncertain significance. Last evaluated: 2022-03-16. Review status: criteria provided, single submitter. Criteria: ACMG Guidelines, 2015. Collection method: clinical testing. Allele origin: germline.

GeneDx
Classification: Likely benign. Last evaluated: 2021-04-02. Review status: criteria provided, single submitter. Criteria: GeneDx Variant Classification Process June 2021. Collection method: clinical testing. Allele origin: germline. Affected: yes.

PreventionGenetics, part of Exact Sciences
Classification: Likely benign for KAT6B-related condition. Last evaluated: 2022-06-17. Review status: no assertion criteria provided. Collection method: clinical testing. Allele origin: germline. Not counted in ClinVar's aggregate classification.
Comment: This variant is classified as likely benign based on ACMG/AMP sequence variant interpretation guidelines (Richards et al. 2015 PMID: 25741868, with internal and published modifications).